The following is an entry in ClinVar:

NM_000057.4(BLM):c.1078G>A (p.Asp360Asn)

Gene: BLM (BLM RecQ like helicase; plus strand). Cytogenetic location: 15q26.1.
Variant type: single nucleotide variant.
Coding change: c.1078G>A on transcript NM_000057.4 (MANE Select); coding-DNA position 1078, G replaced by A.
Protein change: p.Asp360Asn; replaces aspartic acid 360 with asparagine.
Molecular consequence: missense variant. On other transcripts: 5 prime UTR variant (1).
Genome position (GRCh38, 1-based): chr15:90,754,929, G>A. VCF-style: chr15-90754929-G-A. GRCh37 (hg19) VCF-style: chr15-91298159-G-A.
Other names: c.1078G>A, p.Asp360Asn (NM_001287246.2, NM_001287247.2); c.-214G>A (NM_001287248.2); short protein forms D360N.
Identifiers: ClinVar variation 1785502 (VCV001785502.3), dbSNP rs2505407527, ClinGen allele CA393842243.

ClinVar aggregate classification (germline): Uncertain significance (1 of 4 stars; one submission).

Conditions:
Hereditary cancer-predisposing syndrome. Also called: Neoplastic Syndromes, Hereditary; Tumor predisposition; Hereditary Cancer Syndrome; Hereditary neoplastic syndrome. Identifiers: Orphanet 140162, MedGen C0027672, MeSH D009386, MONDO:0015356.

Allele frequency attached by ClinVar (database versions not stated): gnomAD exomes below 0.00001.

Submission:

Ambry Genetics
Classification: Uncertain significance for Hereditary cancer-predisposing syndrome. Last evaluated: 2025-06-21. Review status: criteria provided, single submitter. Criteria: Ambry Variant Classification Scheme 2023. Collection method: clinical testing. Allele origin: germline.
Comment: The p.D360N variant (also known as c.1078G>A), located in coding exon 4 of the BLM gene, results from a G to A substitution at nucleotide position 1078. The aspartic acid at codon 360 is replaced by asparagine, an amino acid with highly similar properties. This amino acid position is not well conserved in available vertebrate species. In addition, this alteration is predicted to be tolerated by in silico analysis. Since supporting evidence is limited at this time, the clinical significance of this alteration remains unclear.